The following is an entry in ClinVar:

NM_004171.4(SLC1A2):c.877G>A (p.Ala293Thr)

Gene: SLC1A2 (solute carrier family 1 member 2; minus strand). Cytogenetic location: 11p13.
Variant type: single nucleotide variant.
Coding change: c.877G>A on transcript NM_004171.4 (MANE Select); coding-DNA position 877, G replaced by A.
Protein change: p.Ala293Thr; replaces alanine 293 with threonine.
Molecular consequence: missense variant.
Genome position (GRCh38, 1-based): chr11:35,292,501, C>T on the plus strand (G>A on the coding strand, the complement: SLC1A2 is on the minus strand). VCF-style: chr11-35292501-C-T. GRCh37 (hg19) VCF-style: chr11-35314048-C-T.
Other names: c.850G>A, p.Ala284Thr (NM_001195728.3, NM_001252652.2); short protein forms A284T, A293T.
Identifiers: ClinVar variation 1679603 (VCV001679603.2), dbSNP rs956332291, ClinGen allele CA220503031.
Genomic context (GRCh38, chr11:35,292,501, plus strand): 5'-GTTGCCTAGCAACCACTTCTAAGTCCTTGATTGCAATGATCTTTCCACAGATCAGGCAGG[C>T]GATACCCAGGGGAGAGTACCTGAAAAACACAAAAGGGAAAAACAGCATTGAAGAGATCAT-3'
Protein context (NP_004162.2, residues 283-303): MIMWYSPLGI[Ala293Thr]CLICGKIIAI

ClinVar aggregate classification (germline): Uncertain significance. Review status: criteria provided, multiple submitters, no conflicts (2 of 4 stars). 2 submissions from 2 submitters: Uncertain significance (2). Last evaluated 2025-12-29.

Conditions:
Developmental and epileptic encephalopathy, 41 (DEE41). Also called: Epileptic encephalopathy, early infantile, 41. Identifiers: MedGen C4310717, MONDO:0014916, OMIM 617105.

Allele frequency attached by ClinVar (database versions not stated): gnomAD exomes below 0.00001 and 0.00001; gnomAD 0.00001; TOPMed 0.00004.

Submissions (2):

Labcorp Genetics (formerly Invitae), Labcorp
Classification: Uncertain significance. Last evaluated: 2025-12-29. Review status: criteria provided, single submitter. Criteria: Invitae Variant Classification Sherloc (09022015). Collection method: clinical testing. Allele origin: germline.
Comment: This sequence change replaces alanine, which is neutral and non-polar, with threonine, which is neutral and polar, at codon 293 of the SLC1A2 protein (p.Ala293Thr). This variant is present in population databases (no rsID available, gnomAD 0.01%). This variant has not been reported in the literature in individuals affected with SLC1A2-related conditions. ClinVar contains an entry for this variant (Variation ID: 1679603). Invitae Evidence Modeling of protein sequence and biophysical properties (such as structural, functional, and spatial information, amino acid conservation, physicochemical variation, residue mobility, and thermodynamic stability) indicates that this missense variant is not expected to disrupt SLC1A2 protein function with a negative predictive value of 80%. In summary, the available evidence is currently insufficient to determine the role of this variant in disease. Therefore, it has been classified as a Variant of Uncertain Significance.

New York Genome Center
Classification: Uncertain significance for Developmental and epileptic encephalopathy, 41. Last evaluated: 2021-05-14. Review status: criteria provided, single submitter. Criteria: NYGC Assertion Criteria 2020. Collection method: clinical testing. Allele origin: inherited. Observed: 1 heterozygote. Study: CSER-NYCKidSeq.